The following is an entry in ClinVar:

NM_018014.4(BCL11A):c.2231-5dup

Gene: BCL11A (BCL11 transcription factor A; minus strand). Cytogenetic location: 2p16.1.
Variant type: Duplication.
Coding change: c.2231-5dup on transcript NM_018014.4; 5 bases into the intron before coding-DNA position 2231, one base duplicated (T; older notation c.2231-5dupT).
Molecular consequence: intron variant.
Genome position (GRCh38, 1-based): chr2:60,452,671, A duplicated on the plus strand (T on the coding strand, the reverse complement: BCL11A is on the minus strand); the first of 3 consecutive A bases (chr2:60,452,671-60,452,673); duplicating any one gives the same sequence. VCF-style (leftmost placement, unchanged base first): chr2-60452670-G-GA. GRCh37 (hg19) VCF-style: chr2-60679805-G-GA.
Other names: c.631-5dup (NM_138559.2, NM_001405732.1); c.2281-5dup (NM_001363864.1); c.529-5dup (NM_001405733.1); c.2129-5dup (NM_001405719.1); c.*3-5dup (NM_001405712.1, NM_001405708.1, NM_001405726.1 and 2 more transcripts); c.1694-5dup (NM_001405730.1); c.2383-5dup (NM_001405710.1); c.1238-5dup (NM_001405731.1); and 5 more.
Identifiers: ClinVar variation 992483 (VCV000992483.26), dbSNP rs113307140, ClinGen allele CA1670935.

ClinVar aggregate classification (germline): Conflicting classifications of pathogenicity. Review status: criteria provided, conflicting classifications (1 of 4 stars). 2 submissions from 2 submitters: Uncertain significance (1); Likely benign (1). Last evaluated 2026-07-01.

Conditions:
Dias-Logan syndrome. Also called: INTELLECTUAL DEVELOPMENTAL DISORDER WITH HEREDITARY PERSISTENCE OF FETAL HEMOGLOBIN; Intellectual developmental disorder with persistence of fetal hemoglobin. Identifiers: Orphanet 619233, MedGen C4310833, MONDO:0014914, OMIM 617101.

Submissions (2):

CeGaT Center for Human Genetics Tuebingen
Classification: Likely benign. Last evaluated: 2026-07-01. Review status: criteria provided, single submitter. Criteria: CeGaT Center For Human Genetics Tuebingen Variant Classification Criteria Version 2. Collection method: clinical testing. Allele origin: germline. Affected: yes. Observed: 9 variant alleles.
Comment: BCL11A: BP4, BS1

Center for Genomics, Ann and Robert H. Lurie Children's Hospital of Chicago
Classification: Uncertain significance for Dias-Logan syndrome. Last evaluated: 2021-03-30. Review status: criteria provided, single submitter. Criteria: ACMG Guidelines, 2015. Collection method: clinical testing. Allele origin: germline.
Comment: BCL11A NM_138559.1 intron 4A c.631-5dup: This variant has not been reported in the literature but is present in 0.2% (332/128478) of European alleles in the Genome Aggregation Database. Evolutionary conservation and computational predictive tools for this variant are limited or unavailable. This variant is a single nucleotide intronic duplication variant with no predicted change in the amino acid sequence. Splice prediction tools suggest that this variant may not affect splicing. However, further studies are needed to understand its impact. In summary, data on this variant is insufficient for disease classification. Therefore, the clinical significance of this variant is uncertain.